The following is an entry in ClinVar:

NM_001375524.1(TRRAP):c.10997A>C (p.Lys3666Thr)

Gene: TRRAP (transformation/transcription domain associated protein; plus strand). Cytogenetic location: 7q22.1.
Variant type: single nucleotide variant.
Coding change: c.10997A>C on transcript NM_001375524.1 (MANE Select); coding-DNA position 10997, A replaced by C.
Protein change: p.Lys3666Thr; replaces lysine 3666 with threonine.
Molecular consequence: missense variant.
Genome position (GRCh38, 1-based): chr7:99,011,110, A>C. VCF-style: chr7-99011110-A-C. GRCh37 (hg19) VCF-style: chr7-98608733-A-C.
Other names: c.10955A>C, p.Lys3652Thr (NM_001244580.2); c.10868A>C, p.Lys3623Thr (NM_003496.4); short protein forms K3623T, K3652T, K3666T.
Identifiers: ClinVar variation 1721185 (VCV001721185.5), dbSNP rs1228867891, ClinGen allele CA368342043.

ClinVar aggregate classification (germline): Uncertain significance (1 of 4 stars; one submission).

Allele frequency attached by ClinVar (database versions not stated): gnomAD 0.00001; TOPMed 0.00001.
gnomAD v4.1: 1 of 1,614,084 alleles (0.000062%); highest among the groups gnomAD compares: Admixed American, 0.0017%; no homozygotes.

Submission:

Labcorp Genetics (formerly Invitae), Labcorp
Classification: Uncertain significance. Last evaluated: 2023-11-15. Review status: criteria provided, single submitter. Criteria: Invitae Variant Classification Sherloc (09022015). Collection method: clinical testing. Allele origin: germline.
Comment: This sequence change replaces lysine, which is basic and polar, with threonine, which is neutral and polar, at codon 3623 of the TRRAP protein (p.Lys3623Thr). This variant is not present in population databases (gnomAD no frequency). This variant has not been reported in the literature in individuals affected with TRRAP-related conditions. ClinVar contains an entry for this variant (Variation ID: 1721185). Advanced modeling of protein sequence and biophysical properties (such as structural, functional, and spatial information, amino acid conservation, physicochemical variation, residue mobility, and thermodynamic stability) performed at Invitae indicates that this missense variant is not expected to disrupt TRRAP protein function with a negative predictive value of 80%. In summary, the available evidence is currently insufficient to determine the role of this variant in disease. Therefore, it has been classified as a Variant of Uncertain Significance.